The following is an entry in ClinVar:

ClinVar aggregate classification (germline): Likely benign (1 of 4 stars; one submission).

Submission:

GeneDx
Classification: Likely benign. Last evaluated: 2016-04-02. Review status: criteria provided, single submitter. Criteria: GeneDx Variant Classification (06012015). Collection method: clinical testing. Allele origin: germline. Affected: yes.
Comment: This variant is considered likely benign or benign based on one or more of the following criteria: it is a conservative change, it occurs at a poorly conserved position in the protein, it is predicted to be benign by multiple in silico algorithms, and/or has population frequency not consistent with disease.

NM_014845.6(FIG4):c.1751-3del

Gene: FIG4 (FIG4 phosphoinositide 5-phosphatase; plus strand). Cytogenetic location: 6q21.
Variant type: Deletion.
Coding change: c.1751-3del on transcript NM_014845.6 (MANE Select); 3 bases into the intron before coding-DNA position 1751, one base deleted (T; older notation c.1751-3delT).
Molecular consequence: intron variant.
Genome position (GRCh38, 1-based): chr6:109,776,919, T deleted; the last of 5 consecutive T bases (chr6:109,776,915-109,776,919); deleting any one gives the same sequence. VCF-style (leftmost placement, unchanged base first): chr6-109776914-CT-C. GRCh37 (hg19) VCF-style: chr6-110098117-CT-C.
Other names: c.1751-3delT (NM_014845.5).
Identifiers: ClinVar variation 420734 (VCV000420734.1), dbSNP rs1064794667, ClinGen allele CA16618232.